The following is an entry in ClinVar:

ClinVar aggregate classification (germline): Uncertain significance (1 of 4 stars; one submission).

Conditions:
Autosomal recessive limb-girdle muscular dystrophy type 2J (LGMDR10). Also called: Limb-girdle muscular dystrophy, type 2J; MUSCULAR DYSTROPHY, LIMB-GIRDLE, AUTOSOMAL RECESSIVE 10. Identifiers: Orphanet 140922, MedGen C1837342, MONDO:0012127, OMIM 608807.
Dilated cardiomyopathy 1G (CMD1G). Identifiers: Orphanet 154, MedGen C1858763, MONDO:0011400, OMIM 604145.

Allele frequency attached by ClinVar (database versions not stated): gnomAD exomes below 0.00001.
gnomAD v4.1: 2 of 1,614,002 alleles (0.00012%); highest among the groups gnomAD compares: Non-Finnish European, 0.00017%; no homozygotes.

Submission:

Labcorp Genetics (formerly Invitae), Labcorp
Classification: Uncertain significance for Dilated cardiomyopathy 1G; Autosomal recessive limb-girdle muscular dystrophy type 2J. Last evaluated: 2025-12-29. Review status: criteria provided, single submitter. Criteria: Invitae Variant Classification Sherloc (09022015). Collection method: clinical testing. Allele origin: germline.
Comment: This sequence change replaces tyrosine, which is neutral and polar, with histidine, which is basic and polar, at codon 35772 of the TTN protein (p.Tyr35772His). This variant is not present in population databases (gnomAD no frequency). This variant has not been reported in the literature in individuals affected with TTN-related conditions. ClinVar contains an entry for this variant (Variation ID: 2089782). Experimental studies and prediction algorithms are not available or were not evaluated, and the functional significance of this variant is currently unknown. This variant is located in the M band of TTN (PMID: 25589632). Non-truncating variants in this region may be relevant for neuromuscular disorders, but have not been definitively shown to cause cardiomyopathy (PMID: 23975875). In summary, the available evidence is currently insufficient to determine the role of this variant in disease. Therefore, it has been classified as a Variant of Uncertain Significance.

Literature cited by the submitters: PubMed 25589632; PubMed 23975875.

NM_001267550.2(TTN):c.107314T>C (p.Tyr35772His)

Genes: TTN-AS1 (TTN antisense RNA 1; plus strand), TTN (titin; minus strand). Cytogenetic location: 2q31.2.
Variant type: single nucleotide variant.
Coding change: c.107314T>C on transcript NM_001267550.2 (MANE Select); coding-DNA position 107314, T replaced by C.
Protein change: p.Tyr35772His; replaces tyrosine 35772 with histidine.
Molecular consequence: missense variant.
Genome position (GRCh38, 1-based): chr2:178,528,337, A>G on the plus strand (T>C on the coding strand, the complement: TTN is on the minus strand). VCF-style: chr2-178528337-A-G. GRCh37 (hg19) VCF-style: chr2-179393064-A-G.
Other names: c.102391T>C, p.Tyr34131His (NM_001256850.1); c.80119T>C, p.Tyr26707His (NM_003319.4); c.99610T>C, p.Tyr33204His (NM_133378.4); c.80494T>C, p.Tyr26832His (NM_133432.3); c.80695T>C, p.Tyr26899His (NM_133437.4); short protein forms Y26832H, Y26899H, Y33204H, Y34131H, Y35772H, Y26707H.
Identifiers: ClinVar variation 2089782 (VCV002089782.4), dbSNP rs2468282685, ClinGen allele CA349401347.